The following is an entry in ClinVar:

ClinVar aggregate classification (germline): Uncertain significance (1 of 4 stars; one submission).

gnomAD v4.1: 5 of 1,611,230 alleles (0.00031%); highest among the groups gnomAD compares: Middle Eastern, 0.02%; no homozygotes.

Submission:

GeneDx
Classification: Uncertain significance. Last evaluated: 2022-06-27. Review status: criteria provided, single submitter. Criteria: GeneDx Variant Classification Process June 2021. Collection method: clinical testing. Allele origin: germline. Affected: yes.
Comment: Not observed at significant frequency in large population cohorts (gnomAD); In silico analysis supports that this missense variant does not alter protein structure/function; Has not been previously published as pathogenic or benign to our knowledge; This variant is associated with the following publications: (PMID: 22508176)

NM_001009944.3(PKD1):c.8983C>G (p.Leu2995Val)

Gene: PKD1 (polycystin 1, transient receptor potential channel interacting; minus strand). Cytogenetic location: 16p13.3.
Variant type: single nucleotide variant.
Coding change: c.8983C>G on transcript NM_001009944.3 (MANE Select); coding-DNA position 8983, C replaced by G.
Protein change: p.Leu2995Val; replaces leucine 2995 with valine.
Molecular consequence: missense variant.
Genome position (GRCh38, 1-based): chr16:2,102,599, G>C on the plus strand (C>G on the coding strand, the complement: PKD1 is on the minus strand). VCF-style: chr16-2102599-G-C. GRCh37 (hg19) VCF-style: chr16-2152600-G-C.
Other names: c.8983C>G, p.Leu2995Val (NM_000296.4); short protein forms L2995V.
Identifiers: ClinVar variation 1810096 (VCV001810096.1), dbSNP rs767714125, ClinGen allele CA394361064.
Genomic context (GRCh38, chr16:2,102,599, plus strand): 5'-ACAGGGACGTGTACAGGCCCACGGACACCTGCAGCGCCGACCAGCGGAAGTGGCTGGAGA[G>C]GTTCAGATGGTAACTCCCCGCTGGGTCTCTGCTCCTGGGCAGGGAAGGGGTAGCGGACGT-3'
Protein context (NP_001009944.3, residues 2985-3005): RDPAGSYHLN[Leu2995Val]SSHFRWSALQ